The following is an entry in ClinVar:

NM_152564.5(VPS13B):c.10565C>T (p.Thr3522Ile)

Gene: VPS13B (vacuolar protein sorting 13 homolog B; plus strand). Cytogenetic location: 8q22.2.
Variant type: single nucleotide variant.
Coding change: c.10565C>T on transcript NM_152564.5 (MANE Select); coding-DNA position 10565, C replaced by T.
Protein change: p.Thr3522Ile; replaces threonine 3522 with isoleucine.
Molecular consequence: missense variant.
Genome position (GRCh38, 1-based): chr8:99,853,954, C>T. VCF-style: chr8-99853954-C-T. GRCh37 (hg19) VCF-style: chr8-100866182-C-T.
Other names: c.10640C>T, p.Thr3547Ile (NM_017890.5); c.10565C>T (NM_152564.4); c.10640C>T (NM_017890.3); short protein forms T3547I, T3522I.
Identifiers: ClinVar variation 361091 (VCV000361091.13), dbSNP rs781253026, ClinGen allele CA4824970.

ClinVar aggregate classification (germline): Uncertain significance. Review status: criteria provided, multiple submitters, no conflicts (2 of 4 stars). 5 submissions from 5 submitters: Uncertain significance (3). 2 of the submissions do not count toward it. Last evaluated 2024-12-29.

Conditions:
Cohen syndrome (COH1). Also called: PEPPER SYNDROME; Cutis verticis gyrata, retinitis pigmentosa, and sensorineural deafness. Identifiers: Orphanet 193, MedGen C0265223, MONDO:0008999, OMIM 216550.
VPS13B-related disorder. Also called: VPS13B-related condition.
Inborn genetic diseases. Identifiers: MedGen C0950123, MeSH D030342.

Allele frequency attached by ClinVar (database versions not stated): gnomAD exomes 0.00002 and 0.00004; TOPMed 0.00002; gnomAD 0.00003; ExAC 0.00006.
gnomAD v4.1: 28 of 1,614,112 alleles (0.0017%); highest among the groups gnomAD compares: Non-Finnish European, 0.0023%; no homozygotes.

Submissions (5):

Ambry Genetics
Classification: Uncertain significance for Inborn genetic diseases. Last evaluated: 2024-12-29. Review status: criteria provided, single submitter. Criteria: Ambry Variant Classification Scheme 2023. Collection method: clinical testing. Allele origin: germline.

Labcorp Genetics (formerly Invitae), Labcorp
Classification: Uncertain significance for Cohen syndrome. Last evaluated: 2022-10-13. Review status: criteria provided, single submitter. Criteria: Invitae Variant Classification Sherloc (09022015). Collection method: clinical testing. Allele origin: germline.
Comment: This sequence change replaces threonine with isoleucine at codon 3547 of the VPS13B protein (p.Thr3547Ile). The threonine residue is moderately conserved and there is a moderate physicochemical difference between threonine and isoleucine. This variant is present in population databases (rs781253026, gnomAD 0.009%). This variant has not been reported in the literature in individuals affected with VPS13B-related conditions. ClinVar contains an entry for this variant (Variation ID: 361091). Advanced modeling of protein sequence and biophysical properties (such as structural, functional, and spatial information, amino acid conservation, physicochemical variation, residue mobility, and thermodynamic stability) performed at Invitae indicates that this missense variant is expected to disrupt VPS13B protein function. In summary, the available evidence is currently insufficient to determine the role of this variant in disease. Therefore, it has been classified as a Variant of Uncertain Significance.

Illumina Laboratory Services, Illumina
Classification: Uncertain significance for Cohen syndrome. Last evaluated: 2018-01-13. Review status: criteria provided, single submitter. Criteria: ICSL Variant Classification Criteria 13 December 2019. Collection method: clinical testing. Allele origin: germline.

PreventionGenetics, part of Exact Sciences
Classification: Uncertain significance for VPS13B-related condition. Last evaluated: 2024-05-20. Review status: no assertion criteria provided. Collection method: clinical testing. Allele origin: germline. Not counted in ClinVar's aggregate classification.
Comment: The VPS13B c.10565C>T variant is predicted to result in the amino acid substitution p.Thr3522Ile. To our knowledge, this variant has not been reported in the literature. This variant is reported in 0.0085% of alleles in individuals of European (Non-Finnish) descent in gnomAD. At this time, the clinical significance of this variant is uncertain due to the absence of conclusive functional and genetic evidence.

Natera, Inc.
Classification: Uncertain significance for Cohen syndrome. Last evaluated: 2019-11-11. Review status: no assertion criteria provided. Collection method: clinical testing. Allele origin: germline. Not counted in ClinVar's aggregate classification.